The following is an entry in ClinVar:

ClinVar aggregate classification (germline): Likely benign. Review status: criteria provided, multiple submitters, no conflicts (2 of 4 stars). 3 submissions from 3 submitters: Likely benign (3). Last evaluated 2025-12-20.

Conditions:
Glomerulopathy with fibronectin deposits 2 (GFND2). Identifiers: Orphanet 84090, MedGen C1866075, MONDO:0011165, OMIM 601894.
Spondylometaphyseal dysplasia - Sutcliffe type. Also called: Sutcliffe type of spondylometaphyseal dysplasia; Sutcliffe SMD; Spondylometaphyseal dysplasia, 'corner fracture' type; Spondylometaphyseal Dysplasia, Corner Fracture Type. Identifiers: Orphanet 93315, MedGen C0432221, MONDO:0008479, OMIM 184255.

Allele frequency attached by ClinVar (database versions not stated): gnomAD exomes 0.00003 and 0.00006; ExAC 0.00007; 1000 Genomes Project 30x 0.00016; 1000 Genomes Project 0.00020; gnomAD 0.00023 and 0.00026; TOPMed 0.00032; ESP Exome Variant Server 0.00038.
gnomAD v4.1: 81 of 1,614,116 alleles (0.005%); highest among the groups gnomAD compares: African/African-American, 0.079%; no homozygotes.

Submissions (3):

Labcorp Genetics (formerly Invitae), Labcorp
Classification: Likely benign. Last evaluated: 2025-12-20. Review status: criteria provided, single submitter. Criteria: Invitae Variant Classification Sherloc (09022015). Collection method: clinical testing. Allele origin: germline.

Mayo Clinic Laboratories, Mayo Clinic
Classification: Likely benign. Last evaluated: 2025-02-10. Review status: criteria provided, single submitter. Criteria: ACMG Guidelines, 2015. Collection method: clinical testing. Allele origin: germline. Observed: 1 variant allele.
Comment: BP4, BP7

Fulgent Genetics
Classification: Likely benign for Spondylometaphyseal dysplasia - Sutcliffe type; Glomerulopathy with fibronectin deposits 2. Last evaluated: 2021-08-12. Review status: criteria provided, single submitter. Criteria: ACMG Guidelines, 2015. Collection method: clinical testing. Allele origin: unknown.

NM_212482.4(FN1):c.1638C>T (p.Phe546=)

Genes: FN1 (fibronectin 1; minus strand), LOC122861289 (Sharpr-MPRA regulatory region 10603; plus strand). Cytogenetic location: 2q35.
Variant type: single nucleotide variant.
Coding change: c.1638C>T on transcript NM_212482.4 (MANE Select); coding-DNA position 1638, C replaced by T.
Protein change: p.Phe546=; no amino-acid change (phenylalanine 546 retained).
Molecular consequence: synonymous variant.
Genome position (GRCh38, 1-based): chr2:215,420,710, G>A on the plus strand (C>T on the coding strand, the complement: FN1 is on the minus strand). VCF-style: chr2-215420710-G-A. GRCh37 (hg19) VCF-style: chr2-216285433-G-A.
Other names: p.Phe546=; c.1638C>T (NM_212482.3); c.1638C>T, p.Phe546= (NM_001306129.2, NM_001306130.2, NM_001306131.2 and 14 more transcripts).
Identifiers: ClinVar variation 758619 (VCV000758619.11), dbSNP rs368833093, ClinGen allele CA2095228.